The following is an entry in ClinVar:

NM_012414.4(RAB3GAP2):c.1040+1G>T

Gene: RAB3GAP2 (RAB3 GTPase activating non-catalytic protein subunit 2; minus strand). Cytogenetic location: 1q41.
Variant type: single nucleotide variant.
Coding change: c.1040+1G>T on transcript NM_012414.4 (MANE Select); the canonical splice donor site of the intron after coding-DNA position 1040, G replaced by T.
Molecular consequence: splice donor variant.
Genome position (GRCh38, 1-based): chr1:220,195,297, C>A on the plus strand (G>T on the coding strand, the complement: RAB3GAP2 is on the minus strand). VCF-style: chr1-220195297-C-A. GRCh37 (hg19) VCF-style: chr1-220368639-C-A.
Identifiers: ClinVar variation 2431759 (VCV002431759.1), dbSNP rs2528690308, ClinGen allele CA344646798.

ClinVar aggregate classification (germline): Likely pathogenic (1 of 4 stars; one submission).

Conditions:
Warburg micro syndrome 2 (WARBM2). Also called: MICRO SYNDROME 2. Identifiers: Orphanet 2510, MedGen C3280214, MONDO:0013641, OMIM 614225.

Submission:

Laboratorio de Genetica e Diagnostico Molecular, Hospital Israelita Albert Einstein
Classification: Likely pathogenic for Warburg micro syndrome 2. Last evaluated: 2022-04-20. Review status: criteria provided, single submitter. Criteria: ACMG Guidelines, 2015. Collection method: clinical testing. Allele origin: germline. Affected: yes. Observed: 1 variant allele.
Comment: ACMG classification criteria: PVS1 strong, PM2 moderated